The following is an entry in ClinVar:

NM_052845.4(MMAB):c.349-17T>C

Gene: MMAB (metabolism of cobalamin associated B; minus strand). Cytogenetic location: 12q24.11.
Variant type: single nucleotide variant.
Coding change: c.349-17T>C on transcript NM_052845.4 (MANE Select); 17 bases into the intron before coding-DNA position 349, T replaced by C.
Molecular consequence: intron variant.
Genome position (GRCh38, 1-based): chr12:109,561,869, A>G on the plus strand (T>C on the coding strand, the complement: MMAB is on the minus strand). VCF-style: chr12-109561869-A-G. GRCh37 (hg19) VCF-style: chr12-109999674-A-G.
Other names: p.?.
Identifiers: ClinVar variation 445771 (VCV000445771.14), dbSNP rs72650187, ClinGen allele CA6778940.

ClinVar aggregate classification (germline): Benign/Likely benign. Review status: criteria provided, multiple submitters, no conflicts (2 of 4 stars). 6 submissions from 6 submitters: Benign (2); Likely benign (4). Last evaluated 2026-02-04.

Conditions:
Methylmalonic aciduria, cblB type (MACB). Also called: Vitamin B12-responsive methylmalonic acidemia type cblB; METHYLMALONIC ACIDURIA, VITAMIN B12-RESPONSIVE, DUE TO DEFECT IN SYNTHESIS OF ADENOSYLCOBALAMIN, cblB TYPE; Methylmalonic acidemia cblB type. Identifiers: Orphanet 28, Orphanet 79311, MedGen C1855102, MONDO:0009614, OMIM 251110.

Allele frequency attached by ClinVar (database versions not stated): 1000 Genomes Project 30x 0.00219; 1000 Genomes Project 0.00260; TOPMed 0.00496; gnomAD 0.00568 and 0.00583; gnomAD exomes 0.00579 and 0.00842; ESP Exome Variant Server 0.00646; ExAC 0.00963.
gnomAD v4.1: 12,872 of 1,593,234 alleles (0.81%); highest among the groups gnomAD compares: Non-Finnish European, 0.97%; 68 homozygotes.

Submissions (6):

Labcorp Genetics (formerly Invitae), Labcorp
Classification: Benign for Methylmalonic aciduria, cblB type. Last evaluated: 2026-02-04. Review status: criteria provided, single submitter. Criteria: Invitae Variant Classification Sherloc (09022015). Collection method: clinical testing. Allele origin: germline.

ARUP Laboratories, Molecular Genetics and Genomics, ARUP Laboratories
Classification: Likely benign for Methylmalonic aciduria, cblB type. Last evaluated: 2025-06-04. Review status: criteria provided, single submitter. Criteria: ARUP Molecular Germline Variant Investigation Process 2024. Collection method: clinical testing. Allele origin: germline.

Mayo Clinic Laboratories, Mayo Clinic
Classification: Benign. Last evaluated: 2024-05-06. Review status: criteria provided, single submitter. Criteria: ACMG Guidelines, 2015. Collection method: clinical testing. Allele origin: germline. Observed: 4 variant alleles.
Comment: BA1, BP4, BP7

GeneDx
Classification: Likely benign. Last evaluated: 2017-11-29. Review status: criteria provided, single submitter. Criteria: GeneDx Variant Classification (06012015). Collection method: clinical testing. Allele origin: germline. Affected: yes.
Comment: This variant is considered likely benign or benign based on one or more of the following criteria: it is a conservative change, it occurs at a poorly conserved position in the protein, it is predicted to be benign by multiple in silico algorithms, and/or has population frequency not consistent with disease.

Center for Pediatric Genomic Medicine, Children's Mercy Hospital and Clinics
Classification: Likely benign. Last evaluated: 2017-08-03. Review status: criteria provided, single submitter. Criteria: ACMG Guidelines, 2015. Collection method: clinical testing. Allele origin: germline.

Breakthrough Genomics
Classification: Likely benign. Review status: criteria provided, single submitter. Criteria: ACMG Guidelines, 2015. Collection method: not provided. Allele origin: germline. Inheritance: Autosomal recessive inheritance. Affected: yes.